The following is an entry in ClinVar:

ClinVar aggregate classification (germline): Likely benign (1 of 4 stars; one submission).

gnomAD v4.1: 9 of 1,584,584 alleles (0.00057%); highest among the groups gnomAD compares: Non-Finnish European, 0.00069%; no homozygotes.

Submission:

CeGaT Center for Human Genetics Tuebingen
Classification: Likely benign. Last evaluated: 2026-06-01. Review status: criteria provided, single submitter. Criteria: CeGaT Center For Human Genetics Tuebingen Variant Classification Criteria Version 2. Collection method: clinical testing. Allele origin: germline. Affected: yes. Observed: 2 variant alleles.
Comment: BRD4: BS2

NM_001379291.1(BRD4):c.3785G>A (p.Ser1262Asn)

Gene: BRD4 (bromodomain containing 4; minus strand). Cytogenetic location: 19p13.12.
Variant type: single nucleotide variant.
Coding change: c.3785G>A on transcript NM_001379291.1 (MANE Select); coding-DNA position 3785, G replaced by A.
Protein change: p.Ser1262Asn; replaces serine 1262 with asparagine.
Molecular consequence: missense variant.
Genome position (GRCh38, 1-based): chr19:15,238,978, C>T on the plus strand (G>A on the coding strand, the complement: BRD4 is on the minus strand). VCF-style: chr19-15238978-C-T. GRCh37 (hg19) VCF-style: chr19-15349789-C-T.
Other names: c.3785G>A, p.Ser1262Asn (NM_058243.3); short protein forms S1262N.
Identifiers: ClinVar variation 3389146 (VCV003389146.14).
Genomic context (GRCh38, chr19:15,238,978, plus strand): 5'-CGCCGACGTGCCTCCTCATGGGCCCGCCGGGCCTGCTCCAGCGCATCCTCGTCCTCTCGG[C>T]TCCTGGGCAGAGGGTCCCAGTCAGCCTGGGGACTGGTGTGGCCCCAAGAGTCCCCATGCC-3'
Protein context (NP_001366220.1, residues 1252-1272): KERLRQERMR[Ser1262Asn]REDEDALEQA